The following is an entry in ClinVar:

ClinVar aggregate classification (germline): Uncertain significance (1 of 4 stars; one submission).

Conditions:
Alagille syndrome due to a JAG1 point mutation. Also called: JAG1-Related Alagille Syndrome; Alagille Syndrome 1; HEPATIC DUCTULAR HYPOPLASIA, SYNDROMATIC. Identifiers: Orphanet 261619, Orphanet 52, MedGen C1956125, MONDO:0016862, OMIM 118450.

Submission:

Labcorp Genetics (formerly Invitae), Labcorp
Classification: Uncertain significance for Alagille syndrome due to a JAG1 point mutation. Last evaluated: 2023-12-11. Review status: criteria provided, single submitter. Criteria: Invitae Variant Classification Sherloc (09022015). Collection method: clinical testing. Allele origin: germline.
Comment: This sequence change replaces serine, which is neutral and polar, with proline, which is neutral and non-polar, at codon 1154 of the JAG1 protein (p.Ser1154Pro). This variant is not present in population databases (gnomAD no frequency). This variant has not been reported in the literature in individuals affected with JAG1-related conditions. ClinVar contains an entry for this variant (Variation ID: 1391680). Advanced modeling of protein sequence and biophysical properties (such as structural, functional, and spatial information, amino acid conservation, physicochemical variation, residue mobility, and thermodynamic stability) performed at Invitae indicates that this missense variant is not expected to disrupt JAG1 protein function with a negative predictive value of 95%. In summary, the available evidence is currently insufficient to determine the role of this variant in disease. Therefore, it has been classified as a Variant of Uncertain Significance.

NM_000214.3(JAG1):c.3460T>C (p.Ser1154Pro)

Gene: JAG1 (jagged canonical Notch ligand 1; minus strand). Cytogenetic location: 20p12.2.
Variant type: single nucleotide variant.
Coding change: c.3460T>C on transcript NM_000214.3 (MANE Select); coding-DNA position 3460, T replaced by C.
Protein change: p.Ser1154Pro; replaces serine 1154 with proline.
Molecular consequence: missense variant.
Genome position (GRCh38, 1-based): chr20:10,639,695, A>G on the plus strand (T>C on the coding strand, the complement: JAG1 is on the minus strand). VCF-style: chr20-10639695-A-G. GRCh37 (hg19) VCF-style: chr20-10620343-A-G.
Other names: short protein forms S1154P.
Identifiers: ClinVar variation 1391680 (VCV001391680.8), dbSNP rs2122593151, ClinGen allele CA408242874.